The following is an entry in ClinVar:

NM_015100.4(POGZ):c.2670G>A (p.Ala890=)

Gene: POGZ (pogo transposable element derived with ZNF domain; minus strand). Cytogenetic location: 1q21.3.
Variant type: single nucleotide variant.
Coding change: c.2670G>A on transcript NM_015100.4 (MANE Select); coding-DNA position 2670, G replaced by A.
Protein change: p.Ala890=; no amino-acid change (alanine 890 retained).
Molecular consequence: synonymous variant.
Genome position (GRCh38, 1-based): chr1:151,406,365, C>T on the plus strand (G>A on the coding strand, the complement: POGZ is on the minus strand). VCF-style: chr1-151406365-C-T. GRCh37 (hg19) VCF-style: chr1-151378841-C-T.
Other names: c.2511G>A, p.Ala837= (NM_207171.2); c.2643G>A, p.Ala881= (NM_001194937.2); c.2484G>A, p.Ala828= (NM_001194938.2); c.2691G>A, p.Ala897= (NM_001410860.1); c.2385G>A, p.Ala795= (NM_145796.4).
Identifiers: ClinVar variation 2639175 (VCV002639175.24), dbSNP rs143626108, ClinGen allele CA1091083.
Genomic context (GRCh38, chr1:151,406,365, plus strand): 5'-TGATGGGAGTGCTGGGGCTAAGGGAGTTAGTAGCTCTTCAGGCTCAGCTGGGGTGGCCCC[C>T]GCAGATTTCACAGTGGCAGCTTTGTTAGTGGGGAAGGAAGGAGGAGGGTACATATTCTTC-3'
Protein context (NP_055915.2, residues 880-900): PTNKAATVKS[Ala890=]GATPAEPEEL

ClinVar aggregate classification (germline): Likely benign (1 of 4 stars; one submission).

Allele frequency attached by ClinVar (database versions not stated): gnomAD exomes 0.00001; TOPMed 0.00003; gnomAD 0.00004; ExAC 0.00005; ESP Exome Variant Server 0.00008.
gnomAD v4.1: 16 of 1,591,326 alleles (0.001%); highest among the groups gnomAD compares: Admixed American, 0.0036%; no homozygotes.

Submission:

CeGaT Center for Human Genetics Tuebingen
Classification: Likely benign. Last evaluated: 2023-03-01. Review status: criteria provided, single submitter. Criteria: CeGaT Center For Human Genetics Tuebingen Variant Classification Criteria Version 2. Collection method: clinical testing. Allele origin: germline. Affected: yes. Observed: 1 variant allele.
Comment: POGZ: BP4, BP7